The following is an entry in ClinVar:

ClinVar aggregate classification (germline): Uncertain significance (1 of 4 stars; one submission).

Conditions:
Rubinstein-Taybi syndrome (RSTS). Identifiers: Orphanet 783, MedGen C0035934, MONDO:0019188.

Submission:

Labcorp Genetics (formerly Invitae), Labcorp
Classification: Uncertain significance for Rubinstein-Taybi syndrome. Last evaluated: 2023-12-18. Review status: criteria provided, single submitter. Criteria: Invitae Variant Classification Sherloc (09022015). Collection method: clinical testing. Allele origin: germline.
Comment: This sequence change replaces alanine, which is neutral and non-polar, with threonine, which is neutral and polar, at codon 24 of the CREBBP protein (p.Ala24Thr). This variant is not present in population databases (gnomAD no frequency). This variant has not been reported in the literature in individuals affected with CREBBP-related conditions. Algorithms developed to predict the effect of missense changes on protein structure and function output the following: SIFT: "Not Available"; PolyPhen-2: "Benign"; Align-GVGD: "Not Available". The threonine amino acid residue is found in multiple mammalian species, which suggests that this missense change does not adversely affect protein function. In summary, the available evidence is currently insufficient to determine the role of this variant in disease. Therefore, it has been classified as a Variant of Uncertain Significance.

NM_004380.3(CREBBP):c.70G>A (p.Ala24Thr)

Genes: CREBBP (CREB binding lysine acetyltransferase; minus strand), LOC130058357 (ATAC-STARR-seq lymphoblastoid silent region 7141; plus strand). Cytogenetic location: 16p13.3.
Variant type: single nucleotide variant.
Coding change: c.70G>A on transcript NM_004380.3 (MANE Select); coding-DNA position 70, G replaced by A.
Protein change: p.Ala24Thr; replaces alanine 24 with threonine.
Molecular consequence: missense variant.
Genome position (GRCh38, 1-based): chr16:3,879,847, C>T on the plus strand (G>A on the coding strand, the complement: CREBBP is on the minus strand). VCF-style: chr16-3879847-C-T. GRCh37 (hg19) VCF-style: chr16-3929848-C-T.
Other names: c.70G>A, p.Ala24Thr (NM_001079846.1); short protein forms A24T.
Identifiers: ClinVar variation 2698270 (VCV002698270.3), dbSNP rs762331442, ClinGen allele CA394567734.
Genomic context (GRCh38, chr16:3,879,847, plus strand): 5'-TGACAGCGCGCCCCGGGCCCCCGCCGCCCCGGACCCCCTCCTCACCTGTGCTGTCATTCG[C>T]CGAGAAACCGGGCGAGCTGAGTTTGGCTCTTTTGGGGTTGGGCGGTCCGTCCAGCAAGTT-3'
Protein context (NP_004371.2, residues 14-34): RAKLSSPGFS[Ala24Thr]NDSTDFGSLF